The following is an entry in ClinVar:

ClinVar aggregate classification (germline): Benign/Likely benign. Review status: criteria provided, multiple submitters, no conflicts (2 of 4 stars). 4 submissions from 4 submitters: Benign (2); Likely benign (1). 1 of the submissions does not count toward it. Last evaluated 2024-11-26.

Conditions:
CFAP69-related disorder. Also called: CFAP69-related condition.

Allele frequency attached by ClinVar (database versions not stated): ExAC 0.00223; gnomAD 0.00669; ESP Exome Variant Server 0.00712; TOPMed 0.00765; 1000 Genomes Project 0.00819; 1000 Genomes Project 30x 0.00921.
gnomAD v4.1: 2,263 of 1,557,814 alleles (0.15%); highest among the groups gnomAD compares: African/African-American, 2.1%; 24 homozygotes.

Submissions (4):

Blueprint Genetics
Classification: Likely benign. Last evaluated: 2024-11-26. Review status: criteria provided, single submitter. Criteria: ACMG Guidelines, 2015. Collection method: clinical testing. Allele origin: germline.

Labcorp Genetics (formerly Invitae), Labcorp
Classification: Benign. Last evaluated: 2019-12-31. Review status: criteria provided, single submitter. Criteria: Invitae Variant Classification Sherloc (09022015). Collection method: clinical testing. Allele origin: germline.

Breakthrough Genomics
Classification: Benign. Review status: criteria provided, single submitter. Criteria: ACMG Guidelines, 2015. Collection method: not provided. Allele origin: germline. Inheritance: Autosomal recessive inheritance. Affected: yes.

PreventionGenetics, part of Exact Sciences
Classification: Likely benign for CFAP69-related condition. Last evaluated: 2024-08-30. Review status: no assertion criteria provided. Collection method: clinical testing. Allele origin: germline. Not counted in ClinVar's aggregate classification.
Comment: This variant is classified as likely benign based on ACMG/AMP sequence variant interpretation guidelines (Richards et al. 2015 PMID: 25741868, with internal and published modifications).

NM_001039706.3(CFAP69):c.24G>T (p.Ala8=)

Gene: CFAP69 (cilia and flagella associated protein 69; plus strand). Cytogenetic location: 7q21.13.
Variant type: single nucleotide variant.
Coding change: c.24G>T on transcript NM_001039706.3 (MANE Select); coding-DNA position 24, G replaced by T.
Protein change: p.Ala8=; no amino-acid change (alanine 8 retained).
Molecular consequence: synonymous variant.
Genome position (GRCh38, 1-based): chr7:90,245,448, G>T. VCF-style: chr7-90245448-G-T. GRCh37 (hg19) VCF-style: chr7-89874762-G-T.
Other names: c.24G>T, p.Ala8= (NM_001160138.2, NM_001363438.1).
Identifiers: ClinVar variation 709809 (VCV000709809.7), dbSNP rs149099697, ClinGen allele CA4333148.